The following is an entry in ClinVar:

ClinVar aggregate classification (germline): Uncertain significance (1 of 4 stars; one submission).

Conditions:
Majeed syndrome (MJDS). Also called: CHRONIC RECURRENT MULTIFOCAL OSTEOMYELITIS 1, WITH CONGENITAL DYSERYTHROPOIETIC ANEMIA, WITH OR WITHOUT NEUTROPHILIC DERMATOSIS; LPIN2-Related Majeed Syndrome. Identifiers: Orphanet 77297, MedGen C1864997, MONDO:0012316, OMIM 609628.

Submission:

Labcorp Genetics (formerly Invitae), Labcorp
Classification: Uncertain significance for Majeed syndrome. Last evaluated: 2022-03-19. Review status: criteria provided, single submitter. Criteria: Invitae Variant Classification Sherloc (09022015). Collection method: clinical testing. Allele origin: germline.
Comment: This sequence change falls in intron 4 of the LPIN2 gene. It does not directly change the encoded amino acid sequence of the LPIN2 protein. It affects a nucleotide within the consensus splice site. This variant is not present in population databases (gnomAD no frequency). In summary, the available evidence is currently insufficient to determine the role of this variant in disease. Therefore, it has been classified as a Variant of Uncertain Significance. Variants that disrupt the consensus splice site are a relatively common cause of aberrant splicing (PMID: 17576681, 9536098). Algorithms developed to predict the effect of sequence changes on RNA splicing suggest that this variant is not likely to affect RNA splicing. This variant has not been reported in the literature in individuals affected with LPIN2-related conditions.

Literature cited by the submitters: PubMed 17576681; PubMed 9536098.

NM_001375808.2(LPIN2):c.590+5dup

Gene: LPIN2 (lipin 2; minus strand). Cytogenetic location: 18p11.31.
Variant type: Duplication.
Coding change: c.590+5dup on transcript NM_001375808.2 (MANE Select); 5 bases into the intron after coding-DNA position 590, one base duplicated (G; older notation c.590+5dupG).
Molecular consequence: intron variant.
Genome position (GRCh38, 1-based): chr18:2,951,050, C duplicated on the plus strand (G on the coding strand, the reverse complement: LPIN2 is on the minus strand); the first of 2 consecutive C bases (chr18:2,951,050-2,951,051); duplicating either gives the same sequence. VCF-style (leftmost placement, unchanged base first): chr18-2951049-T-TC. GRCh37 (hg19) VCF-style: chr18-2951047-T-TC.
Other names: c.590+5dup (NM_014646.2, NM_001375809.1).
Identifiers: ClinVar variation 1485792 (VCV001485792.6), dbSNP rs2077527998, ClinGen allele CA2280801947.